The following is an entry in ClinVar:

NM_003172.4(SURF1):c.776T>C (p.Ile259Thr)

Gene: SURF1 (SURF1 cytochrome c oxidase assembly factor; minus strand). Cytogenetic location: 9q34.2.
Variant type: single nucleotide variant.
Coding change: c.776T>C on transcript NM_003172.4 (MANE Select); coding-DNA position 776, T replaced by C.
Protein change: p.Ile259Thr; replaces isoleucine 259 with threonine.
Molecular consequence: missense variant.
Genome position (GRCh38, 1-based): chr9:133,352,118, A>G on the plus strand (T>C on the coding strand, the complement: SURF1 is on the minus strand). VCF-style: chr9-133352118-A-G. GRCh37 (hg19) VCF-style: chr9-136218973-A-G.
Other names: c.449T>C, p.Ile150Thr (NM_001280787.1); short protein forms I150T, I259T.
Identifiers: ClinVar variation 2184608 (VCV002184608.1), dbSNP rs139022243, ClinGen allele CA200832086.

ClinVar aggregate classification (germline): Uncertain significance (1 of 4 stars; one submission).

Conditions:
Leigh syndrome (NULS). Also called: Subacute necrotizing encephalopathy; Necrotizing encephalopathy infantile subacute of Leigh; LEIGH SYNDROME, NUCLEAR; Leigh Disease; Leigh Syndrome (mtDNA deletion); Leigh's necrotizing encephalopathy. Identifiers: Orphanet 506, MedGen C2931891, MONDO:0009723, OMIM 256000.

Allele frequency attached by ClinVar (database versions not stated): gnomAD 0.00001; gnomAD exomes 0.00001; TOPMed 0.00002.
gnomAD v4.1: 13 of 1,606,534 alleles (0.00081%); highest among the groups gnomAD compares: East Asian, 0.0067%; no homozygotes.

Submission:

Labcorp Genetics (formerly Invitae), Labcorp
Classification: Uncertain significance for Leigh syndrome. Last evaluated: 2022-02-22. Review status: criteria provided, single submitter. Criteria: Invitae Variant Classification Sherloc (09022015). Collection method: clinical testing. Allele origin: germline.
Comment: This sequence change replaces isoleucine, which is neutral and non-polar, with threonine, which is neutral and polar, at codon 259 of the SURF1 protein (p.Ile259Thr). This variant is present in population databases (rs139022243, gnomAD 0.007%). This variant has not been reported in the literature in individuals affected with SURF1-related conditions. Algorithms developed to predict the effect of missense changes on protein structure and function are either unavailable or do not agree on the potential impact of this missense change (SIFT: "Deleterious"; PolyPhen-2: "Possibly Damaging"; Align-GVGD: "Class C0"). In summary, the available evidence is currently insufficient to determine the role of this variant in disease. Therefore, it has been classified as a Variant of Uncertain Significance.